The following is an entry in ClinVar:

ClinVar aggregate classification (germline): Pathogenic. Review status: criteria provided, single submitter (1 of 4 stars). 2 submissions from 2 submitters: Pathogenic (1). 1 of the submissions does not count toward it. Last evaluated 2018-01-01.

Conditions:
Retinal dystrophy. Also called: Inherited retinal dystrophy. Identifiers: Orphanet 71862, MedGen C0854723, MeSH D058499, MONDO:0019118, HP:0000556.

gnomAD v4.1: 1 of 1,614,182 alleles (0.000062%); highest among the groups gnomAD compares: Non-Finnish European, 0.000085%; no homozygotes.

Submissions (2):

Institute of Human Genetics, Univ. Regensburg, Univ. Regensburg
Classification: Pathogenic for Retinal dystrophy. Last evaluated: 2018-01-01. Review status: criteria provided, single submitter. Criteria: ACMG Guidelines, 2015. Collection method: clinical testing. Allele origin: germline. Affected: yes.

Leiden Open Variation Database
Classification: Pathogenic. Last evaluated: 2021-04-06. Review status: no assertion criteria provided. Collection method: curation. Allele origin: germline. Affected: yes. Not counted in ClinVar's aggregate classification.
Comment: Curator: Global Variome, with Curator vacancy. Submitters to LOVD: LOVD, Manon Peeters.

Literature cited by the submitters: PubMed 16916875 (cited by Institute of Human Genetics, Univ. Regensburg, Univ. Regensburg and Leiden Open Variation Database); PubMed 29555955 (cited by Institute of Human Genetics, Univ. Regensburg, Univ. Regensburg and Leiden Open Variation Database); PubMed 34411390 (cited by Institute of Human Genetics, Univ. Regensburg, Univ. Regensburg); PubMed 36819107 (cited by Institute of Human Genetics, Univ. Regensburg, Univ. Regensburg); PubMed 21269699 (cited by Leiden Open Variation Database).

NM_000322.5(PRPH2):c.281G>A (p.Trp94Ter)

Gene: PRPH2 (peripherin 2; minus strand). Cytogenetic location: 6p21.1.
Variant type: single nucleotide variant.
Coding change: c.281G>A on transcript NM_000322.5 (MANE Select); coding-DNA position 281, G replaced by A.
Protein change: p.Trp94Ter; replaces tryptophan 94 with a stop codon.
Molecular consequence: nonsense.
Genome position (GRCh38, 1-based): chr6:42,722,054, C>T on the plus strand (G>A on the coding strand, the complement: PRPH2 is on the minus strand). VCF-style: chr6-42722054-C-T. GRCh37 (hg19) VCF-style: chr6-42689792-C-T.
Other names: short protein forms W94*.
Identifiers: ClinVar variation 1175214 (VCV001175214.2), dbSNP rs2152011008, ClinGen allele CA364138041.
Genomic context (GRCh38, chr6:42,722,054, plus strand): 5'-AGGAAGAGGATGATGTTGAAGAGAACACAGATAGCCAGGTACGGCTTCAGCCAGGGCTTC[C>T]ATCTGGCATACTTGGCTGGGTCCAGGGCGTCGTAGCAGATCTTCCCAGCCAGCGAGTTGA-3'